The following is an entry in ClinVar:

ClinVar aggregate classification (germline): Uncertain significance. Review status: criteria provided, multiple submitters, no conflicts (2 of 4 stars). 3 submissions from 3 submitters: Uncertain significance (3). Last evaluated 2023-09-22.

Conditions:
Primary ciliary dyskinesia. Also called: Ciliary dyskinesia. Identifiers: Orphanet 244, MedGen C0008780, MONDO:0016575, HP:0012265.
Primary ciliary dyskinesia 15. Also called: CILIARY DYSKINESIA, PRIMARY, 15, WITH OR WITHOUT SITUS INVERSUS. Identifiers: Orphanet 244, MedGen C3151137, MONDO:0013435, OMIM 613808.

Allele frequency attached by ClinVar (database versions not stated): gnomAD 0.00001; TOPMed 0.00002; ExAC 0.00008.
gnomAD v4.1: 60 of 1,613,672 alleles (0.0037%); highest among the groups gnomAD compares: Non-Finnish European, 0.0046%; no homozygotes.

Submissions (3):

Ambry Genetics
Classification: Uncertain significance for Primary ciliary dyskinesia. Last evaluated: 2023-09-22. Review status: criteria provided, single submitter. Criteria: Ambry Variant Classification Scheme 2023. Collection method: clinical testing. Allele origin: germline.

Labcorp Genetics (formerly Invitae), Labcorp
Classification: Uncertain significance for Primary ciliary dyskinesia. Last evaluated: 2021-08-24. Review status: criteria provided, single submitter. Criteria: Invitae Variant Classification Sherloc (09022015). Collection method: clinical testing. Allele origin: germline.
Comment: This sequence change replaces glutamine with proline at codon 1122 of the CCDC40 protein (p.Gln1122Pro). The glutamine residue is moderately conserved and there is a moderate physicochemical difference between glutamine and proline. This variant is present in population databases (rs778612110, ExAC 0.01%). This variant has not been reported in the literature in individuals affected with CCDC40-related conditions. Algorithms developed to predict the effect of missense changes on protein structure and function are either unavailable or do not agree on the potential impact of this missense change (SIFT: "Deleterious"; PolyPhen-2: "Benign"; Align-GVGD: "Class C0"). In summary, the available evidence is currently insufficient to determine the role of this variant in disease. Therefore, it has been classified as a Variant of Uncertain Significance.

Illumina Laboratory Services, Illumina
Classification: Uncertain significance for Primary ciliary dyskinesia 15. Last evaluated: 2018-01-12. Review status: criteria provided, single submitter. Criteria: ICSL Variant Classification Criteria 13 December 2019. Collection method: clinical testing. Allele origin: germline.

NM_017950.4(CCDC40):c.3365A>C (p.Gln1122Pro)

Gene: CCDC40 (coiled-coil domain 40 molecular ruler complex subunit; plus strand). Cytogenetic location: 17q25.3.
Variant type: single nucleotide variant.
Coding change: c.3365A>C on transcript NM_017950.4 (MANE Select); coding-DNA position 3365, A replaced by C.
Protein change: p.Gln1122Pro; replaces glutamine 1122 with proline.
Molecular consequence: missense variant.
Genome position (GRCh38, 1-based): chr17:80,099,711, A>C. VCF-style: chr17-80099711-A-C. GRCh37 (hg19) VCF-style: chr17-78073510-A-C.
Other names: short protein forms Q1122P.
Identifiers: ClinVar variation 325750 (VCV000325750.11), dbSNP rs778612110, ClinGen allele CA8814717.